The following is an entry in ClinVar:

NM_016938.5(EFEMP2):c.169G>A (p.Glu57Lys)

Gene: EFEMP2 (EGF-like fibulin extracellular matrix protein 2; minus strand). Cytogenetic location: 11q13.1.
Variant type: single nucleotide variant.
Coding change: c.169G>A on transcript NM_016938.5 (MANE Select); coding-DNA position 169, G replaced by A.
Protein change: p.Glu57Lys; replaces glutamic acid 57 with lysine.
Molecular consequence: missense variant. On other transcripts: non-coding transcript variant (1).
Genome position (GRCh38, 1-based): chr11:65,871,355, C>T on the plus strand (G>A on the coding strand, the complement: EFEMP2 is on the minus strand). VCF-style: chr11-65871355-C-T. GRCh37 (hg19) VCF-style: chr11-65638826-C-T.
Other names: short protein forms E57K.
Identifiers: ClinVar variation 5423 (VCV000005423.5), dbSNP rs119489101, ClinGen allele CA281558.
Genomic context (GRCh38, chr11:65,871,355, plus strand): 5'-CCCCGTAGTGGTTGATGCACTTCATTTCCCCCTTGCAGGCCTCAGGGATGGTCAGACACT[C>T]GTTGACATCTGCAGAGAGGGGCCTGCTGGGCACAGCCAGTCTCCTGGGCTGGCCCTGGAG-3'
Protein context (NP_058634.4, residues 47-67): PDSQHCRDVN[Glu57Lys]CLTIPEACKG

ClinVar aggregate classification (germline): Pathogenic. Review status: criteria provided, single submitter (1 of 4 stars). 3 submissions from 3 submitters: Pathogenic (1). 2 of the submissions do not count toward it. Last evaluated 2025-06-12.

Conditions:
Cutis laxa, autosomal recessive, type 1B (ARCL1B). Also called: CUTIS LAXA, AUTOSOMAL RECESSIVE, TYPE IB; EFEMP2-Related Cutis Laxa. Identifiers: Orphanet 90349, MedGen C3280798, MONDO:0013754, OMIM 614437. Disease mechanism: loss of function.
Cutis laxa, autosomal recessive, type 1A (ARCL1A). Also called: Autosomal recessive cutis laxa type IA. Identifiers: Orphanet 90349, MedGen C5848058, MONDO:0009052, OMIM 219100.

Allele frequency attached by ClinVar (database versions not stated): ExAC 0.00001; gnomAD exomes 0.00001.
gnomAD v4.1: 8 of 1,614,146 alleles (0.0005%); highest among the groups gnomAD compares: South Asian, 0.0022%; no homozygotes.

Submissions (3):

Women's Health and Genetics/Laboratory Corporation of America, LabCorp
Classification: Pathogenic for Cutis laxa, autosomal recessive, type 1B. Last evaluated: 2025-06-12. Review status: criteria provided, single submitter. Criteria: LabCorp Variant Classification Summary - May 2015. Collection method: clinical testing. Allele origin: germline.
Comment: Variant summary: EFEMP2 c.169G>A (p.Glu57Lys) results in a conservative amino acid change in the encoded protein sequence. Algorithms developed to predict the effect of missense changes on protein structure and function are either unavailable or do not agree on the potential impact of this missense change. The variant was absent in 251214 control chromosomes. c.169G>A has been observed in individual(s) affected with Autosomal Recessive Cutis Laxa and related conditions (Hucthagowder_2006, Lascone_2012). These data indicate that the variant is likely to be associated with disease. At least one publication reports experimental evidence evaluating an impact on protein function. The results show that variant impacts protein function (Sasaki_2016). The following publications have been ascertained in the context of this evaluation (PMID: 16685658, 23212998, 27339457). ClinVar contains an entry for this variant (Variation ID: 5423). Based on the evidence outlined above, the variant was classified as pathogenic.

OMIM
Classification: Pathogenic for CUTIS LAXA, AUTOSOMAL RECESSIVE, TYPE IB. Last evaluated: 2006-06-01. Review status: no assertion criteria provided. Collection method: literature only. Allele origin: germline. Not counted in ClinVar's aggregate classification.

GeneReviews
No classification provided. Condition: Autosomal recessive cutis laxa type 1. Review status: no classification provided. Collection method: literature only. Allele origin: unknown. Not counted in ClinVar's aggregate classification.

Literature cited by the submitters: PubMed 27339457 (cited by Women's Health and Genetics/Laboratory Corporation of America, LabCorp); PubMed 16685658 (cited by Women's Health and Genetics/Laboratory Corporation of America, LabCorp and OMIM); PubMed 23212998 (cited by Women's Health and Genetics/Laboratory Corporation of America, LabCorp); PubMed 21563328 (cited by GeneReviews); NCBI Bookshelf NBK54467 (cited by GeneReviews).